The following is an entry in ClinVar:

NM_000264.5(PTCH1):c.1573A>G (p.Thr525Ala)

Gene: PTCH1 (patched 1; minus strand). Cytogenetic location: 9q22.32.
Variant type: single nucleotide variant.
Coding change: c.1573A>G on transcript NM_000264.5 (MANE Select); coding-DNA position 1573, A replaced by G.
Protein change: p.Thr525Ala; replaces threonine 525 with alanine.
Molecular consequence: missense variant. On other transcripts: non-coding transcript variant (1).
Genome position (GRCh38, 1-based): chr9:95,476,788, T>C on the plus strand (A>G on the coding strand, the complement: PTCH1 is on the minus strand). VCF-style: chr9-95476788-T-C. GRCh37 (hg19) VCF-style: chr9-98239070-T-C.
Other names: c.1375A>G, p.Thr459Ala (NM_001083602.3); c.1570A>G, p.Thr524Ala (NM_001083603.3); c.1120A>G, p.Thr374Ala (NM_001083604.3, NM_001083605.3, NM_001083606.3 and 1 more transcripts); c.1417A>G, p.Thr473Ala (NM_001354918.2); short protein forms T525A, T374A, T473A, T459A, T524A.
Identifiers: ClinVar variation 2151560 (VCV002151560.5), dbSNP rs2118281380, ClinGen allele CA374118210.

ClinVar aggregate classification (germline): Uncertain significance. Review status: criteria provided, multiple submitters, no conflicts (2 of 4 stars). 2 submissions from 2 submitters: Uncertain significance (2). Last evaluated 2024-05-31.

Conditions:
Hereditary cancer-predisposing syndrome. Also called: Neoplastic Syndromes, Hereditary; Hereditary neoplastic syndrome; Hereditary Cancer Syndrome; Tumor predisposition. Identifiers: Orphanet 140162, MedGen C0027672, MeSH D009386, MONDO:0015356.
Gorlin syndrome. Also called: Nevoid Basal Cell Carcinoma Syndrome; Basal cell nevus syndrome. Identifiers: Orphanet 377, MedGen C0004779, MONDO:0007187.

Submissions (2):

Ambry Genetics
Classification: Uncertain significance for Hereditary cancer-predisposing syndrome. Last evaluated: 2024-05-31. Review status: criteria provided, single submitter. Criteria: Ambry Variant Classification Scheme 2023. Collection method: clinical testing. Allele origin: germline.
Comment: The p.T525A variant (also known as c.1573A>G), located in coding exon 11 of the PTCH1 gene, results from an A to G substitution at nucleotide position 1573. The threonine at codon 525 is replaced by alanine, an amino acid with similar properties. This amino acid position is conserved. In addition, the in silico prediction for this alteration is inconclusive. Based on the available evidence, the clinical significance of this variant remains unclear.

Labcorp Genetics (formerly Invitae), Labcorp
Classification: Uncertain significance for Gorlin syndrome. Last evaluated: 2022-01-16. Review status: criteria provided, single submitter. Criteria: Invitae Variant Classification Sherloc (09022015). Collection method: clinical testing. Allele origin: germline.
Comment: In summary, the available evidence is currently insufficient to determine the role of this variant in disease. Therefore, it has been classified as a Variant of Uncertain Significance. Advanced modeling of protein sequence and biophysical properties (such as structural, functional, and spatial information, amino acid conservation, physicochemical variation, residue mobility, and thermodynamic stability) performed at Invitae indicates that this missense variant is not expected to disrupt PTCH1 protein function. This variant is not present in population databases (gnomAD no frequency). This variant has not been reported in the literature in individuals affected with PTCH1-related conditions. This sequence change replaces threonine, which is neutral and polar, with alanine, which is neutral and non-polar, at codon 525 of the PTCH1 protein (p.Thr525Ala).